The following is an entry in ClinVar:

ClinVar aggregate classification (germline): Uncertain significance (1 of 4 stars; one submission).

Submission:

GeneDx
Classification: Uncertain significance. Last evaluated: 2022-11-15. Review status: criteria provided, single submitter. Criteria: GeneDx Variant Classification Process June 2021. Collection method: clinical testing. Allele origin: germline. Affected: yes.
Comment: Not observed at significant frequency in large population cohorts (gnomAD); In silico analysis supports that this missense variant does not alter protein structure/function; Has not been previously published as pathogenic or benign to our knowledge

NM_003922.4(HERC1):c.6851C>G (p.Thr2284Ser)

Gene: HERC1 (HECT and RLD domain containing E3 ubiquitin protein ligase family member 1; minus strand). Cytogenetic location: 15q22.31.
Variant type: single nucleotide variant.
Coding change: c.6851C>G on transcript NM_003922.4 (MANE Select); coding-DNA position 6851, C replaced by G.
Protein change: p.Thr2284Ser; replaces threonine 2284 with serine.
Molecular consequence: missense variant.
Genome position (GRCh38, 1-based): chr15:63,678,064, G>C on the plus strand (C>G on the coding strand, the complement: HERC1 is on the minus strand). VCF-style: chr15-63678064-G-C. GRCh37 (hg19) VCF-style: chr15-63970263-G-C.
Other names: short protein forms T2284S.
Identifiers: ClinVar variation 2501837 (VCV002501837.1), dbSNP rs2551383153, ClinGen allele CA392738507.